The following is an entry in ClinVar:

NM_181712.5(KANK4):c.2239C>A (p.Pro747Thr)

Gene: KANK4 (KN motif and ankyrin repeat domains 4; minus strand). Cytogenetic location: 1p31.3.
Variant type: single nucleotide variant.
Coding change: c.2239C>A on transcript NM_181712.5 (MANE Select); coding-DNA position 2239, C replaced by A.
Protein change: p.Pro747Thr; replaces proline 747 with threonine.
Molecular consequence: missense variant.
Genome position (GRCh38, 1-based): chr1:62,266,812, G>T on the plus strand (C>A on the coding strand, the complement: KANK4 is on the minus strand). VCF-style: chr1-62266812-G-T. GRCh37 (hg19) VCF-style: chr1-62732484-G-T.
Other names: c.355C>A, p.Pro119Thr (NM_001320269.2); short protein forms P119T, P747T.
Identifiers: ClinVar variation 4089655 (VCV004089655.2).

ClinVar aggregate classification (germline): Uncertain significance. Review status: criteria provided, multiple submitters, no conflicts (2 of 4 stars). 2 submissions from 2 submitters: Uncertain significance (2). Last evaluated 2025-08-20.

gnomAD v4.1: 35 of 1,602,668 alleles (0.0022%); highest among the groups gnomAD compares: Non-Finnish European, 0.0029%; no homozygotes.

Submissions (2):

Ambry Genetics
Classification: Uncertain significance. Last evaluated: 2025-08-20. Review status: criteria provided, single submitter. Criteria: Ambry Variant Classification Scheme 2023. Collection method: clinical testing. Allele origin: germline.

Labcorp Genetics (formerly Invitae), Labcorp
Classification: Uncertain significance. Last evaluated: 2025-05-07. Review status: criteria provided, single submitter. Criteria: Invitae Variant Classification Sherloc (09022015). Collection method: clinical testing. Allele origin: germline.
Comment: This sequence change replaces proline, which is neutral and non-polar, with threonine, which is neutral and polar, at codon 747 of the KANK4 protein (p.Pro747Thr). This variant is present in population databases (rs763618836, gnomAD 0.003%). This variant has not been reported in the literature in individuals affected with KANK4-related conditions. An algorithm developed to predict the effect of missense changes on protein structure and function (PolyPhen-2) suggests that this variant is likely to be tolerated. In summary, the available evidence is currently insufficient to determine the role of this variant in disease. Therefore, it has been classified as a Variant of Uncertain Significance.